The following is an entry in ClinVar:

ClinVar aggregate classification (germline): Uncertain significance. Review status: criteria provided, multiple submitters, no conflicts (2 of 4 stars). 2 submissions from 2 submitters: Uncertain significance (2). Last evaluated 2024-11-13.

Conditions:
Inborn genetic diseases. Identifiers: MedGen C0950123, MeSH D030342.

Allele frequency attached by ClinVar (database versions not stated): gnomAD exomes 0.00001; TOPMed 0.00001.
gnomAD v4.1: 16 of 1,613,772 alleles (0.00099%); highest among the groups gnomAD compares: Middle Eastern, 0.017%; no homozygotes.

Submissions (2):

Ambry Genetics
Classification: Uncertain significance for Inborn genetic diseases. Last evaluated: 2024-11-13. Review status: criteria provided, single submitter. Criteria: Ambry Variant Classification Scheme 2023. Collection method: clinical testing. Allele origin: germline.

CeGaT Center for Human Genetics Tuebingen
Classification: Uncertain significance. Last evaluated: 2023-09-01. Review status: criteria provided, single submitter. Criteria: CeGaT Center For Human Genetics Tuebingen Variant Classification Criteria Version 2. Collection method: clinical testing. Allele origin: germline. Affected: yes. Observed: 1 variant allele.
Comment: COG1: PM2, BP4

NM_018714.3(COG1):c.2498A>C (p.Lys833Thr)

Gene: COG1 (component of oligomeric golgi complex 1; plus strand). Cytogenetic location: 17q25.1.
Variant type: single nucleotide variant.
Coding change: c.2498A>C on transcript NM_018714.3 (MANE Select); coding-DNA position 2498, A replaced by C.
Protein change: p.Lys833Thr; replaces lysine 833 with threonine.
Molecular consequence: missense variant.
Genome position (GRCh38, 1-based): chr17:73,205,668, A>C. VCF-style: chr17-73205668-A-C. GRCh37 (hg19) VCF-style: chr17-71201807-A-C.
Other names: c.2498A>C (NM_018714.2); short protein forms K833T.
Identifiers: ClinVar variation 2648176 (VCV002648176.25), dbSNP rs1369444703, ClinGen allele CA400896386.